The following is an entry in ClinVar:

ClinVar aggregate classification (germline): Uncertain significance (1 of 4 stars; one submission).

Conditions:
RASopathy. Also called: Noonan spectrum disorder; rasopathies. Identifiers: Orphanet 536391, MedGen C5555857, MONDO:0021060.

Submission:

Labcorp Genetics (formerly Invitae), Labcorp
Classification: Uncertain significance for RASopathy. Last evaluated: 2025-10-14. Review status: criteria provided, single submitter. Criteria: Invitae Variant Classification Sherloc (09022015). Collection method: clinical testing. Allele origin: germline.
Comment: This sequence change replaces alanine, which is neutral and non-polar, with glutamic acid, which is acidic and polar, at codon 38 of the BRAF protein (p.Ala38Glu). Information on the frequency of this variant in the gnomAD database is not available, as this variant may be reported differently in the database. This variant has not been reported in the literature in individuals affected with BRAF-related conditions. An algorithm developed to predict the effect of missense changes on protein structure and function (PolyPhen-2) suggests that this variant is likely to be tolerated. In summary, the available evidence is currently insufficient to determine the role of this variant in disease. Therefore, it has been classified as a Variant of Uncertain Significance.

NM_004333.6(BRAF):c.113_114delinsAA (p.Ala38Glu)

Gene: BRAF (B-Raf proto-oncogene, serine/threonine kinase; minus strand). Cytogenetic location: 7q34.
Variant type: Indel.
Coding change: c.113_114delinsAA on transcript NM_004333.6 (MANE Select); coding-DNA positions 113 to 114, CT replaced by AA.
Protein change: p.Ala38Glu; replaces alanine 38 with glutamic acid.
Molecular consequence: missense variant.
Genome position (GRCh38, 1-based): chr7:140,924,590-140,924,591, AG replaced by TT on the plus strand (CT replaced by AA on the coding strand, the reverse complement: BRAF is on the minus strand). VCF-style: chr7-140924590-AG-TT. GRCh37 (hg19) VCF-style: chr7-140624390-AG-TT.
Other names: c.113_114delinsAA, p.Ala38Glu (NM_001354609.2, NM_001374244.1, NM_001374258.1 and 7 more transcripts); short protein forms A38E.
Identifiers: ClinVar variation 4774725 (VCV004774725.1).
Genomic context (GRCh38, chr7:140,924,590, plus strand): 5'-GAGTCGGGAGGGCGGCAGGGTGGCGCCAGCACTCACCTCCTCCGGAATGGCAGGGTCCGC[AG>TT]CCGAAGAGGCCGCGGCGCCGGCGCCGGCGCCGGCCTCGGGCTCCATGTCCCCGTTGAACA-3'
Protein context (NP_004324.2, residues 28-48): GAGAGAAASS[Ala38Glu]ADPAIPEEVW